The following is an entry in ClinVar:

ClinVar aggregate classification (germline): Likely pathogenic (1 of 4 stars; one submission).

Conditions:
Achondrogenesis, type IA (ACG1A). Identifiers: Orphanet 932, Orphanet 93299, MedGen C0265273, MONDO:0008701, OMIM 200600.
Odontochondrodysplasia 1. Identifiers: Orphanet 166272, MedGen C5542277, MONDO:0100325, OMIM 184260.

Submission:

Juno Genomics, Hangzhou Juno Genomics, Inc
Classification: Likely pathogenic for Achondrogenesis, type IA; Odontochondrodysplasia 1. Review status: criteria provided, single submitter. Criteria: ACMG Guidelines, 2015. Collection method: clinical testing. Allele origin: germline.
Comment: Absent from controls (or at extremely low frequency if recessive) in Genome Aggregation Database.;Null variant in a gene where loss of function (LOF) is a known mechanism of disease.

NM_004239.4(TRIP11):c.2537_2540del (p.Gln846fs)

Gene: TRIP11 (thyroid hormone receptor interactor 11; minus strand). Cytogenetic location: 14q32.12.
Variant type: Microsatellite.
Coding change: c.2537_2540del on transcript NM_004239.4 (MANE Select); coding-DNA positions 2537 to 2540, 4 bases deleted (AGAC; older notation c.2537_2540delAGAC).
Protein change: p.Gln846fs; shifts the reading frame from glutamine 846.
Molecular consequence: frameshift variant.
Genome position (GRCh38, 1-based): chr14:92,005,436-92,005,439, GTCT deleted on the plus strand (AGAC on the coding strand, the reverse complement: TRIP11 is on the minus strand); deleting any 4 consecutive bases within chr14:92,005,436-92,005,443 gives the same sequence; the c. name uses the placement nearest the transcript's 3' end. VCF-style (leftmost placement, unchanged base first): chr14-92005435-GGTCT-G. GRCh37 (hg19) VCF-style: chr14-92471779-GGTCT-G.
Other names: c.2534_2537del, p.Gln845fs (NM_001321851.1); short protein forms Q845fs, Q846fs.
Identifiers: ClinVar variation 5019073 (VCV005019073.2).